The following is an entry in ClinVar:

ClinVar aggregate classification (germline): Uncertain significance (1 of 4 stars; one submission).

Conditions:
Familial juvenile hyperuricemic nephropathy type 1 (ADTKD1). Also called: Glomerulocystic kidney disease with hyperuricemia and isosthenuria; Medullary cystic kidney disease 2; Autosomal Dominant Tubulointerstitial Kidney Disease – UMOD; UMOD-Associated Kidney Disease; Uromodulin-associated kidney disease. Identifiers: Orphanet 209886, Orphanet 34149, Orphanet 88950, MedGen C4551496, MONDO:0008073, OMIM 162000.

Submission:

Diagnostics Services (NGS), CSIR - Centre For Cellular And Molecular Biology
Classification: Uncertain significance for Familial juvenile hyperuricemic nephropathy type 1. Last evaluated: 2022-10-20. Review status: criteria provided, single submitter. Criteria: ACMG Guidelines, 2015. Collection method: clinical testing. Allele origin: unknown. Affected: yes. Observed: 1 variant allele, 1 heterozygote.
Comment: The c.176A>G variant is not present in publicly available population databases like 1000 Genomes, EVS, ExAC, gnomAD, Indian Exome Database or our in-house exome database. This variant has neither been published nor reported to clinical databases like ClinVar, Human Genome Mutation Database (HGMD) or OMIM in any affected individuals. In-silico pathogenicity prediction programs like SIFT, PolyPhen-2, MutationTaster2, CADD etc. predicted this variant to be likely deleterious, however these predictions were not confirmed by any published functional studies. The variant is located in a mutational hotspot region and an alternative variant in this position (c.176A>C, p.Asp59Ala) has been previously identified in similarly affected individuals (PMID: 14569098) and reported to HGMD (ID: CM034982).

NM_003361.4(UMOD):c.176A>G (p.Asp59Gly)

Gene: UMOD (uromodulin; minus strand). Cytogenetic location: 16p12.3.
Variant type: single nucleotide variant.
Coding change: c.176A>G on transcript NM_003361.4 (MANE Select); coding-DNA position 176, A replaced by G.
Protein change: p.Asp59Gly; replaces aspartic acid 59 with glycine.
Molecular consequence: missense variant. On other transcripts: non-coding transcript variant (1).
Genome position (GRCh38, 1-based): chr16:20,349,125, T>C on the plus strand (A>G on the coding strand, the complement: UMOD is on the minus strand). VCF-style: chr16-20349125-T-C. GRCh37 (hg19) VCF-style: chr16-20360447-T-C.
Other names: c.176A>G, p.Asp59Gly (NM_001008389.3, NM_001378232.1, NM_001378233.1 and 3 more transcripts); c.275A>G, p.Asp92Gly (NM_001278614.2); short protein forms D59G, D92G.
Identifiers: ClinVar variation 1802264 (VCV001802264.3), dbSNP rs2507391023, ClinGen allele CA394987716.